The following is an entry in ClinVar:

NM_052844.4(DYNC2I2):c.677A>G (p.His226Arg)

Gene: DYNC2I2 (dynein 2 intermediate chain 2; minus strand). Cytogenetic location: 9q34.11.
Variant type: single nucleotide variant.
Coding change: c.677A>G on transcript NM_052844.4 (MANE Select); coding-DNA position 677, A replaced by G.
Protein change: p.His226Arg; replaces histidine 226 with arginine.
Molecular consequence: missense variant.
Genome position (GRCh38, 1-based): chr9:128,636,307, T>C on the plus strand (A>G on the coding strand, the complement: DYNC2I2 is on the minus strand). VCF-style: chr9-128636307-T-C. GRCh37 (hg19) VCF-style: chr9-131398586-T-C.
Other names: short protein forms H226R.
Identifiers: ClinVar variation 1681233 (VCV001681233.3), dbSNP rs139362186, ClinGen allele CA5266529.

ClinVar aggregate classification (germline): Uncertain significance (1 of 4 stars; one submission).

Conditions:
Short-rib thoracic dysplasia 11 with or without polydactyly (SRTD11). Also called: SHORT-RIB THORACIC DYSPLASIA 11 WITHOUT POLYDACTYLY. Identifiers: Orphanet 474, Orphanet 93271, MedGen C3810200, MONDO:0014287, OMIM 615633.

Allele frequency attached by ClinVar (database versions not stated): gnomAD 0.00002; TOPMed 0.00002; gnomAD exomes 0.00003 and 0.00007; ExAC 0.00006; ESP Exome Variant Server 0.00008.
gnomAD v4.1: 97 of 1,583,106 alleles (0.0061%); highest among the groups gnomAD compares: Non-Finnish European, 0.008%; no homozygotes.

Submission:

Labcorp Genetics (formerly Invitae), Labcorp
Classification: Uncertain significance for Short-rib thoracic dysplasia 11 with or without polydactyly. Last evaluated: 2022-05-03. Review status: criteria provided, single submitter. Criteria: Invitae Variant Classification Sherloc (09022015). Collection method: clinical testing. Allele origin: germline.
Comment: This sequence change replaces histidine, which is basic and polar, with arginine, which is basic and polar, at codon 226 of the WDR34 protein (p.His226Arg). This variant is present in population databases (rs139362186, gnomAD 0.005%). This variant has not been reported in the literature in individuals affected with WDR34-related conditions. Algorithms developed to predict the effect of missense changes on protein structure and function (SIFT, PolyPhen-2, Align-GVGD) all suggest that this variant is likely to be disruptive. In summary, the available evidence is currently insufficient to determine the role of this variant in disease. Therefore, it has been classified as a Variant of Uncertain Significance.